The following is an entry in ClinVar:

NM_001330078.2(NRXN1):c.758A>G (p.Lys253Arg)

Gene: NRXN1 (neurexin 1; minus strand). Cytogenetic location: 2p16.3.
Variant type: single nucleotide variant.
Coding change: c.758A>G on transcript NM_001330078.2 (MANE Select); coding-DNA position 758, A replaced by G.
Protein change: p.Lys253Arg; replaces lysine 253 with arginine.
Molecular consequence: missense variant.
Genome position (GRCh38, 1-based): chr2:51,027,516, T>C on the plus strand (A>G on the coding strand, the complement: NRXN1 is on the minus strand). VCF-style: chr2-51027516-T-C. GRCh37 (hg19) VCF-style: chr2-51254654-T-C.
Other names: c.758A>G, p.Lys253Arg (NM_001135659.3, NM_001330077.2, NM_001330079.2 and 15 more transcripts); short protein forms K253R.
Identifiers: ClinVar variation 2693140 (VCV002693140.3), dbSNP rs2468067906, ClinGen allele CA346823345.

ClinVar aggregate classification (germline): Uncertain significance (1 of 4 stars; one submission).

Conditions:
Pitt-Hopkins-like syndrome 2 (PTHSL2). Identifiers: Orphanet 221150, Orphanet 600663, MedGen C3280479, MONDO:0013690, OMIM 614325.

Submission:

Labcorp Genetics (formerly Invitae), Labcorp
Classification: Uncertain significance for Pitt-Hopkins-like syndrome 2. Last evaluated: 2023-11-04. Review status: criteria provided, single submitter. Criteria: Invitae Variant Classification Sherloc (09022015). Collection method: clinical testing. Allele origin: germline.
Comment: This sequence change replaces lysine, which is basic and polar, with arginine, which is basic and polar, at codon 253 of the NRXN1 protein (p.Lys253Arg). This variant is not present in population databases (gnomAD no frequency). This variant has not been reported in the literature in individuals affected with NRXN1-related conditions. An algorithm developed to predict the effect of missense changes on protein structure and function (PolyPhen-2) suggests that this variant is likely to be tolerated. In summary, the available evidence is currently insufficient to determine the role of this variant in disease. Therefore, it has been classified as a Variant of Uncertain Significance.